The following is an entry in ClinVar:

ClinVar aggregate classification (germline): Uncertain significance. Review status: criteria provided, single submitter (1 of 4 stars). 2 submissions from 2 submitters: Uncertain significance (1). 1 of the submissions does not count toward it. Last evaluated 2024-06-21.

Conditions:
SALL4-Related Disorders. Also called: SALL4-related condition; SALL4-related disorder. Identifiers: MedGen CN381056.
Duane-radial ray syndrome (DRRS). Also called: ACRORENOOCULAR SYNDROME; DR SYNDROME; DUANE ANOMALY WITH RADIAL RAY ABNORMALITIES AND DEAFNESS; Okihiro Syndrome; Duane-Radial Ray Syndrome/Okihiro Syndrome; Duane-Radial Ray Syndrome (DRRS) / Okihiro Syndrome. Identifiers: Orphanet 93293, Orphanet 959, MedGen C1623209, MONDO:0011812, OMIM 607323. Disease mechanism: gain of function.
Oculootoradial syndrome (IVIC). Also called: RADIAL RAY DEFECTS, HEARING IMPAIRMENT, EXTERNAL OPHTHALMOPLEGIA, AND THROMBOCYTOPENIA; IVIC syndrome. Identifiers: Orphanet 2307, MedGen C1327918, MONDO:0007836, OMIM 147750.

gnomAD v4.1: 14 of 1,613,902 alleles (0.00087%); highest among the groups gnomAD compares: Non-Finnish European, 0.0012%; no homozygotes.

Submissions (2):

Fulgent Genetics
Classification: Uncertain significance for Oculootoradial syndrome; Duane-radial ray syndrome. Last evaluated: 2024-06-21. Review status: criteria provided, single submitter. Criteria: ACMG Guidelines, 2015. Collection method: clinical testing. Allele origin: germline.

PreventionGenetics, part of Exact Sciences
Classification: Uncertain significance for SALL4-related condition. Last evaluated: 2024-03-25. Review status: no assertion criteria provided. Collection method: clinical testing. Allele origin: germline. Not counted in ClinVar's aggregate classification.
Comment: The SALL4 c.1697A>G variant is predicted to result in the amino acid substitution p.Asn566Ser. To our knowledge, this variant has not been reported in the literature. This variant is reported in 0.0015% of alleles in individuals of European (Non-Finnish) descent in gnomAD. At this time, the clinical significance of this variant is uncertain due to the absence of conclusive functional and genetic evidence.

NM_020436.5(SALL4):c.1697A>G (p.Asn566Ser)

Gene: SALL4 (spalt like transcription factor 4; minus strand). Cytogenetic location: 20q13.2.
Variant type: single nucleotide variant.
Coding change: c.1697A>G on transcript NM_020436.5 (MANE Select); coding-DNA position 1697, A replaced by G.
Protein change: p.Asn566Ser; replaces asparagine 566 with serine.
Molecular consequence: missense variant. On other transcripts: intron variant (1).
Genome position (GRCh38, 1-based): chr20:51,790,786, T>C on the plus strand (A>G on the coding strand, the complement: SALL4 is on the minus strand). VCF-style: chr20-51790786-T-C. GRCh37 (hg19) VCF-style: chr20-50407325-T-C.
Other names: c.1150+547A>G (NM_001318031.2); short protein forms N566S.
Identifiers: ClinVar variation 3353640 (VCV003353640.2).